The following is an entry in ClinVar:

ClinVar aggregate classification (germline): Pathogenic. Review status: criteria provided, single submitter (1 of 4 stars). 2 submissions from 2 submitters: Pathogenic (1). 1 of the submissions does not count toward it. Last evaluated 2018-04-30.

Conditions:
Tuberous sclerosis syndrome (TSC). Also called: Tuberous Sclerosis Complex; Tuberous sclerosis. Identifiers: Orphanet 805, MedGen C0041341, MONDO:0001734.

Submissions (2):

Laboratory for Molecular Medicine, Mass General Brigham Personalized Medicine
Classification: Pathogenic for Tuberous sclerosis syndrome. Last evaluated: 2018-04-30. Review status: criteria provided, single submitter. Criteria: LMM Criteria. Collection method: clinical testing. Allele origin: germline. Inheritance: Autosomal dominant inheritance. Observed: 1 variant allele.
Comment: The p.Leu291fs variant in TSC2 has been reported in 1 individual with tuberous s clerosis complex (TSC; Franz 2001, Dabora 2001), and was absent from large popul ation studies. This variant is predicted to cause a frameshift, which alters the protein?s amino acid sequence beginning at position 291 and leads to a prematur e termination codon 47 amino acids downstream. This alteration is then predicted to lead to a truncated or absent protein. Heterozygous loss of function of the TSC2 gene is an established disease mechanism in individuals with TSC. In summar y, this variant meets criteria to be classified as pathogenic for TSC in an auto somal dominant manner based upon the predicted impact on the protein and absence in the general population. ACMG/AMP Criteria applied: PVS1, PM2, PS4_Supporting .

Tuberous sclerosis database (TSC2)
No classification provided. Condition: TSC. Review status: no classification provided. Criteria: Tuberous Sclerosis Database Assertion Criteria 2015. Collection method: curation. Allele origin: germline. Affected: yes. Not counted in ClinVar's aggregate classification.

Literature cited by the submitters: PubMed 11112665 (cited by Laboratory for Molecular Medicine, Mass General Brigham Personalized Medicine); PubMed 11520734 (cited by Laboratory for Molecular Medicine, Mass General Brigham Personalized Medicine).

NM_000548.5(TSC2):c.871dup (p.Leu291fs)

Gene: TSC2 (TSC complex subunit 2; plus strand). Cytogenetic location: 16p13.3.
Variant type: Duplication.
Coding change: c.871dup on transcript NM_000548.5 (MANE Select); coding-DNA position 871, one base duplicated (C; older notation c.871dupC).
Protein change: p.Leu291fs; shifts the reading frame from leucine 291.
Molecular consequence: frameshift variant.
Genome position (GRCh38, 1-based): chr16:2,058,769, C duplicated; the last of 4 consecutive C bases (chr16:2,058,766-2,058,769); duplicating any one gives the same sequence. VCF-style (leftmost placement, unchanged base first): chr16-2058765-G-GC. GRCh37 (hg19) VCF-style: chr16-2108766-G-GC.
Other names: p.Leu291ProfsX47; c.871dup, p.Leu291fs (NM_001077183.3, NM_001114382.3, NM_001363528.2 and 3 more transcripts); c.760dup, p.Leu254fs (NM_001318827.2); c.724dup, p.Leu242fs (NM_001318829.2); c.271dup, p.Leu91fs (NM_001318831.2); c.904dup, p.Leu302fs (NM_001318832.2); short protein forms L91fs, L254fs, L242fs, L291fs, L302fs.
Identifiers: ClinVar variation 49932 (VCV000049932.6), dbSNP rs137854052, ClinGen allele CA023064.